The following is an entry in ClinVar:

ClinVar aggregate classification (germline): Likely benign. Review status: criteria provided, single submitter (1 of 4 stars). 2 submissions from 2 submitters: Likely benign (1). 1 of the submissions does not count toward it. Last evaluated 2020-08-27.

Conditions:
Cardiovascular phenotype. Identifiers: MedGen CN230736.
TECRL-related disorder. Also called: TECRL-related condition.

Allele frequency attached by ClinVar (database versions not stated): gnomAD 0.00001; ExAC 0.00003.
gnomAD v4.1: 9 of 1,584,218 alleles (0.00057%); highest among the groups gnomAD compares: African/African-American, 0.0014%; no homozygotes.

Submissions (2):

Ambry Genetics
Classification: Likely benign for Cardiovascular phenotype. Last evaluated: 2020-08-27. Review status: criteria provided, single submitter. Criteria: Ambry Variant Classification Scheme 2023. Collection method: clinical testing. Allele origin: germline.

PreventionGenetics, part of Exact Sciences
Classification: Likely benign for TECRL-related condition. Last evaluated: 2024-03-26. Review status: no assertion criteria provided. Collection method: clinical testing. Allele origin: germline. Not counted in ClinVar's aggregate classification.
Comment: This variant is classified as likely benign based on ACMG/AMP sequence variant interpretation guidelines (Richards et al. 2015 PMID: 25741868, with internal and published modifications).

NM_001010874.5(TECRL):c.912C>A (p.Thr304=)

Gene: TECRL (trans-2,3-enoyl-CoA reductase like; minus strand). Cytogenetic location: 4q13.1.
Variant type: single nucleotide variant.
Coding change: c.912C>A on transcript NM_001010874.5 (MANE Select); coding-DNA position 912, C replaced by A.
Protein change: p.Thr304=; no amino-acid change (threonine 304 retained).
Molecular consequence: synonymous variant.
Genome position (GRCh38, 1-based): chr4:64,281,480, G>T on the plus strand (C>A on the coding strand, the complement: TECRL is on the minus strand). VCF-style: chr4-64281480-G-T. GRCh37 (hg19) VCF-style: chr4-65147198-G-T.
Other names: c.912C>A, p.Thr304= (NM_001363796.1).
Identifiers: ClinVar variation 1765898 (VCV001765898.3), dbSNP rs757013714, ClinGen allele CA2935313.